The following is an entry in ClinVar:

ClinVar aggregate classification (germline): Pathogenic (1 of 4 stars; one submission).

Conditions:
Charcot-Marie-Tooth disease, type I (CMT1). Also called: Charcot-Marie-Tooth disease type 1; Charcot-Marie-Tooth, Type 1. Identifiers: Orphanet 65753, MedGen C0751036, MONDO:0019011.

Submission:

Labcorp Genetics (formerly Invitae), Labcorp
Classification: Pathogenic for Charcot-Marie-Tooth disease, type I. Last evaluated: 2019-07-03. Review status: criteria provided, single submitter. Criteria: Invitae Variant Classification Sherloc (09022015). Collection method: clinical testing. Allele origin: germline.
Comment: This variant is a gross duplication of the genomic region encompassing exons 2-5 of the PMP22 gene. This assay only includes exons 2-5 of PMP22, which covers the entire coding sequence. Therefore, it is assumed that the entire gene is duplicated. Duplications of the region on chromosome 17p11.2 which contain the PMP22 gene cause Charcot-Marie-Tooth type 1A (CMT1A) (PMID: 1677316, 1822787). These reported duplications have been shown to lead to increased gene dosage as the functional defect in patients with CMT1A (PMID: 1303230). For these reasons, this variant has been classified as Pathogenic.

Literature cited by the submitters: PubMed 1822787; PubMed 1303230; PubMed 1677316.

NC_000017.10:g.(?_15134228)_(15164050_?)dup

Genes: MIR4731 (microRNA 4731; minus strand), PMP22 (peripheral myelin protein 22; minus strand). Cytogenetic location: 17p12.
Variant type: Duplication.
Identifiers: ClinVar variation 652966 (VCV000652966.2).